The following is an entry in ClinVar:

NM_000057.4(BLM):c.241A>G (p.Thr81Ala)

Gene: BLM (BLM RecQ like helicase; plus strand). Cytogenetic location: 15q26.1.
Variant type: single nucleotide variant.
Coding change: c.241A>G on transcript NM_000057.4 (MANE Select); coding-DNA position 241, A replaced by G.
Protein change: p.Thr81Ala; replaces threonine 81 with alanine.
Molecular consequence: missense variant. On other transcripts: 5 prime UTR variant (1).
Genome position (GRCh38, 1-based): chr15:90,749,509, A>G. VCF-style: chr15-90749509-A-G. GRCh37 (hg19) VCF-style: chr15-91292739-A-G.
Other names: c.241A>G, p.Thr81Ala (NM_001287246.2, NM_001287247.2); c.-1051A>G (NM_001287248.2); short protein forms T81A.
Identifiers: ClinVar variation 405289 (VCV000405289.7), dbSNP rs1060500637, ClinGen allele CA16614596.

ClinVar aggregate classification (germline): Uncertain significance. Review status: criteria provided, multiple submitters, no conflicts (2 of 4 stars). 3 submissions from 3 submitters: Uncertain significance (3). Last evaluated 2022-10-05.

Conditions:
Hereditary cancer-predisposing syndrome. Also called: Hereditary Cancer Syndrome; Hereditary neoplastic syndrome; Neoplastic Syndromes, Hereditary; Tumor predisposition. Identifiers: Orphanet 140162, MedGen C0027672, MeSH D009386, MONDO:0015356.
Bloom syndrome (BLM). Also called: Bloom-Torre-Machacek syndrome. Identifiers: Orphanet 125, MedGen C0005859, MONDO:0008876, OMIM 210900.

Submissions (3):

Labcorp Genetics (formerly Invitae), Labcorp
Classification: Uncertain significance for Bloom syndrome. Last evaluated: 2022-10-05. Review status: criteria provided, single submitter. Criteria: Invitae Variant Classification Sherloc (09022015). Collection method: clinical testing. Allele origin: germline.
Comment: This sequence change replaces threonine, which is neutral and polar, with alanine, which is neutral and non-polar, at codon 81 of the BLM protein (p.Thr81Ala). This variant is not present in population databases (gnomAD no frequency). This variant has not been reported in the literature in individuals affected with BLM-related conditions. ClinVar contains an entry for this variant (Variation ID: 405289). Algorithms developed to predict the effect of missense changes on protein structure and function output the following: SIFT: "Tolerated"; PolyPhen-2: "Benign"; Align-GVGD: "Class C0". The alanine amino acid residue is found in multiple mammalian species, which suggests that this missense change does not adversely affect protein function. In summary, the available evidence is currently insufficient to determine the role of this variant in disease. Therefore, it has been classified as a Variant of Uncertain Significance.

Mendelics
Classification: Uncertain significance for Bloom syndrome. Last evaluated: 2018-07-02. Review status: criteria provided, single submitter. Criteria: Mendelics Assertion Criteria 2017. Collection method: clinical testing. Allele origin: unknown.

Ambry Genetics
Classification: Uncertain significance for Hereditary cancer-predisposing syndrome. Last evaluated: 2018-01-18. Review status: criteria provided, single submitter. Criteria: Ambry Variant Classification Scheme 2023. Collection method: clinical testing. Allele origin: germline.
Comment: The p.T81A variant (also known as c.241A>G), located in coding exon 2 of the BLM gene, results from an A to G substitution at nucleotide position 241. The threonine at codon 81 is replaced by alanine, an amino acid with similar properties. This amino acid position is poorly conserved in available vertebrate species. In addition, this alteration is predicted to be tolerated by in silico analysis. Since supporting evidence is limited at this time, the clinical significance of this alteration remains unclear.